The following is an entry in ClinVar:

ClinVar aggregate classification (germline): Conflicting classifications of pathogenicity. Review status: criteria provided, conflicting classifications (1 of 4 stars). 3 submissions from 3 submitters: Uncertain significance (1); Likely benign (1). 1 of the submissions does not count toward it. Last evaluated 2025-08-15.

Conditions:
H syndrome. Also called: FAISALABAD HISTIOCYTOSIS; Histiocytosis with joint contractures and sensorineural deafness; Asrar Facharzt Haque syndrome; HISTIOCYTOSIS AND LYMPHADENOPATHY WITH OR WITHOUT CUTANEOUS, CARDIAC, AND/OR ENDOCRINE FEATURES, JOINT CONTRACTURES, AND/OR DEAFNESS; HYPERPIGMENTATION, CUTANEOUS, WITH HYPERTRICHOSIS, HEPATOSPLENOMEGALY, HEART ANOMALIES, AND HYPOGONADISM WITH OR WITHOUT HEARING LOSS; PIGMENTED HYPERTRICHOSIS WITH INSULIN-DEPENDENT DIABETES MELLITUS. Identifiers: Orphanet 168569, MedGen C1864445, MONDO:0011273, OMIM 602782.
SLC29A3-related disorder. Also called: SLC29A3-related condition.

Allele frequency attached by ClinVar (database versions not stated): gnomAD 0.00001; TOPMed 0.00002; ESP Exome Variant Server 0.00015; 1000 Genomes Project 30x 0.00016; 1000 Genomes Project 0.00020.
gnomAD v4.1: 38 of 1,614,236 alleles (0.0024%); highest among the groups gnomAD compares: Admixed American, 0.0067%; no homozygotes.

Submissions (3):

Labcorp Genetics (formerly Invitae), Labcorp
Classification: Likely benign for H syndrome. Last evaluated: 2025-08-15. Review status: criteria provided, single submitter. Criteria: Invitae Variant Classification Sherloc (09022015). Collection method: clinical testing. Allele origin: germline.

Illumina Laboratory Services, Illumina
Classification: Uncertain significance for H syndrome. Last evaluated: 2018-01-13. Review status: criteria provided, single submitter. Criteria: ICSL Variant Classification Criteria 13 December 2019. Collection method: clinical testing. Allele origin: germline.

PreventionGenetics, part of Exact Sciences
Classification: Likely benign for SLC29A3-related condition. Last evaluated: 2020-06-08. Review status: no assertion criteria provided. Collection method: clinical testing. Allele origin: germline. Not counted in ClinVar's aggregate classification.
Comment: This variant is classified as likely benign based on ACMG/AMP sequence variant interpretation guidelines (Richards et al. 2015 PMID: 25741868, with internal and published modifications).

NM_018344.6(SLC29A3):c.138C>T (p.Pro46=)

Gene: SLC29A3 (solute carrier family 29 member 3; plus strand). Cytogenetic location: 10q22.1.
Variant type: single nucleotide variant.
Coding change: c.138C>T on transcript NM_018344.6 (MANE Select); coding-DNA position 138, C replaced by T.
Protein change: p.Pro46=; no amino-acid change (proline 46 retained).
Molecular consequence: synonymous variant. On other transcripts: 5 prime UTR variant (1), non-coding transcript variant (2).
Genome position (GRCh38, 1-based): chr10:71,322,892, C>T. VCF-style: chr10-71322892-C-T. GRCh37 (hg19) VCF-style: chr10-73082649-C-T.
Other names: c.138C>T, p.Pro46= (NM_001174098.2); c.-97C>T (NM_001363518.2).
Identifiers: ClinVar variation 878196 (VCV000878196.13), dbSNP rs374417695, ClinGen allele CA5542827.